The following is an entry in ClinVar:

NM_012414.4(RAB3GAP2):c.898G>A (p.Ala300Thr)

Gene: RAB3GAP2 (RAB3 GTPase activating non-catalytic protein subunit 2; minus strand). Cytogenetic location: 1q41.
Variant type: single nucleotide variant.
Coding change: c.898G>A on transcript NM_012414.4 (MANE Select); coding-DNA position 898, G replaced by A.
Protein change: p.Ala300Thr; replaces alanine 300 with threonine.
Molecular consequence: missense variant.
Genome position (GRCh38, 1-based): chr1:220,196,312, C>T on the plus strand (G>A on the coding strand, the complement: RAB3GAP2 is on the minus strand). VCF-style: chr1-220196312-C-T. GRCh37 (hg19) VCF-style: chr1-220369654-C-T.
Other names: c.898G>A (NM_012414.3); short protein forms A300T.
Identifiers: ClinVar variation 1976619 (VCV001976619.6), dbSNP rs200440879, ClinGen allele CA1402832.
Genomic context (GRCh38, chr1:220,196,312, plus strand): 5'-CTAAAGCATAGAAGAAGCCAGTAAATGGATTGGACCCTACAGTGATATACTGAGACATGG[C>T]AGGTGGACTATTTTTAATTGCTGCATTAAATCCACCTATATTGGAGGCAGTCTTCATTTG-3'
Protein context (NP_036546.2, residues 290-310): FNAAIKNSPP[Ala300Thr]MSQYITVGSN

ClinVar aggregate classification (germline): Uncertain significance. Review status: criteria provided, multiple submitters, no conflicts (2 of 4 stars). 2 submissions from 2 submitters: Uncertain significance (2). Last evaluated 2024-01-29.

Conditions:
Martsolf syndrome (MARTS). Also called: Congenital cataract with intellectual disability and hypogonadotropic hypogonadism syndrome. Identifiers: Orphanet 1387, MedGen C0796037, MONDO:0023910.
Warburg micro syndrome 2 (WARBM2). Also called: MICRO SYNDROME 2. Identifiers: Orphanet 2510, MedGen C3280214, MONDO:0013641, OMIM 614225.
Inborn genetic diseases. Identifiers: MedGen C0950123, MeSH D030342.

Allele frequency attached by ClinVar (database versions not stated): gnomAD exomes below 0.00001; gnomAD 0.00001; ExAC 0.00002; 1000 Genomes Project 30x 0.00016; 1000 Genomes Project 0.00020.
gnomAD v4.1: 4 of 1,611,708 alleles (0.00025%); highest among the groups gnomAD compares: East Asian, 0.0067%; no homozygotes.

Submissions (2):

Ambry Genetics
Classification: Uncertain significance for Inborn genetic diseases. Last evaluated: 2024-01-29. Review status: criteria provided, single submitter. Criteria: Ambry Variant Classification Scheme 2023. Collection method: clinical testing. Allele origin: germline.

Labcorp Genetics (formerly Invitae), Labcorp
Classification: Uncertain significance for Martsolf syndrome; Warburg micro syndrome 2. Last evaluated: 2022-11-02. Review status: criteria provided, single submitter. Criteria: Invitae Variant Classification Sherloc (09022015). Collection method: clinical testing. Allele origin: germline.
Comment: This variant has not been reported in the literature in individuals affected with RAB3GAP2-related conditions. In summary, the available evidence is currently insufficient to determine the role of this variant in disease. Therefore, it has been classified as a Variant of Uncertain Significance. Advanced modeling of protein sequence and biophysical properties (such as structural, functional, and spatial information, amino acid conservation, physicochemical variation, residue mobility, and thermodynamic stability) performed at Invitae indicates that this missense variant is not expected to disrupt RAB3GAP2 protein function. This variant is present in population databases (rs200440879, gnomAD 0.02%). This sequence change replaces alanine, which is neutral and non-polar, with threonine, which is neutral and polar, at codon 300 of the RAB3GAP2 protein (p.Ala300Thr).